The following is an entry in ClinVar:

NM_003458.4(BSN):c.998C>T (p.Pro333Leu)

Gene: BSN (bassoon presynaptic cytomatrix protein; plus strand). Cytogenetic location: 3p21.31.
Variant type: single nucleotide variant.
Coding change: c.998C>T on transcript NM_003458.4 (MANE Select); coding-DNA position 998, C replaced by T.
Protein change: p.Pro333Leu; replaces proline 333 with leucine.
Molecular consequence: missense variant.
Genome position (GRCh38, 1-based): chr3:49,642,632, C>T. VCF-style: chr3-49642632-C-T. GRCh37 (hg19) VCF-style: chr3-49680065-C-T.
Other names: short protein forms P333L.
Identifiers: ClinVar variation 3900256 (VCV003900256.1).

ClinVar aggregate classification (germline): Uncertain significance (1 of 4 stars; one submission).

gnomAD v4.1: 6 of 1,602,992 alleles (0.00037%); highest among the groups gnomAD compares: African/African-American, 0.0013%; no homozygotes.

Submission:

GeneDx
Classification: Uncertain significance. Last evaluated: 2022-03-18. Review status: criteria provided, single submitter. Criteria: GeneDx Variant Classification Process June 2021. Collection method: clinical testing. Allele origin: germline. Affected: yes.
Comment: Not observed at significant frequency in large population cohorts (gnomAD); In silico analysis supports that this missense variant has a deleterious effect on protein structure/function; Has not been previously published as pathogenic or benign to our knowledge; Variants in candidate genes are classified as variants of uncertain significance in accordance with ACMG guidelines (Richards et al., 2015)